The following is an entry in ClinVar:

NM_004974.4(KCNA2):c.988C>T (p.Leu330Phe)

Gene: KCNA2 (potassium voltage-gated channel subfamily A member 2; minus strand). Cytogenetic location: 1p13.3.
Variant type: single nucleotide variant.
Coding change: c.988C>T on transcript NM_004974.4 (MANE Select); coding-DNA position 988, C replaced by T.
Protein change: p.Leu330Phe; replaces leucine 330 with phenylalanine.
Molecular consequence: missense variant. On other transcripts: intron variant (1).
Genome position (GRCh38, 1-based): chr1:110,603,795, G>A on the plus strand (C>T on the coding strand, the complement: KCNA2 is on the minus strand). VCF-style: chr1-110603795-G-A. GRCh37 (hg19) VCF-style: chr1-111146417-G-A.
Other names: c.894+94C>T (NM_001204269.2); short protein forms L330F.
Identifiers: ClinVar variation 2749667 (VCV002749667.4), dbSNP rs2524617586, ClinGen allele CA341602495.

ClinVar aggregate classification (germline): Conflicting classifications of pathogenicity. Review status: criteria provided, conflicting classifications (1 of 4 stars). 2 submissions from 2 submitters: Likely pathogenic (1); Uncertain significance (1). Last evaluated 2024-02-21.

Conditions:
Developmental and epileptic encephalopathy, 32 (DEE32). Also called: Epileptic encephalopathy, early infantile, 32. Identifiers: Orphanet 442835, MedGen C4225350, MONDO:0014607, OMIM 616366.

Submissions (2):

Blueprint Genetics
Classification: Uncertain significance. Last evaluated: 2024-02-21. Review status: criteria provided, single submitter. Criteria: ACMG Guidelines, 2015. Collection method: clinical testing. Allele origin: germline.

Labcorp Genetics (formerly Invitae), Labcorp
Classification: Likely pathogenic for Developmental and epileptic encephalopathy, 32. Last evaluated: 2023-11-17. Review status: criteria provided, single submitter. Criteria: Invitae Variant Classification Sherloc (09022015). Collection method: clinical testing. Allele origin: germline.
Comment: This sequence change replaces leucine, which is neutral and non-polar, with phenylalanine, which is neutral and non-polar, at codon 330 of the KCNA2 protein (p.Leu330Phe). This variant is not present in population databases (gnomAD no frequency). This missense change has been observed in individual(s) with autosomal dominant KCNA2-related conditions (Invitae). In at least one individual the variant was observed to be de novo. Advanced modeling of protein sequence and biophysical properties (such as structural, functional, and spatial information, amino acid conservation, physicochemical variation, residue mobility, and thermodynamic stability) has been performed at Invitae for this missense variant, however the output from this modeling did not meet the statistical confidence thresholds required to predict the impact of this variant on KCNA2 protein function. In summary, the currently available evidence indicates that the variant is pathogenic, but additional data are needed to prove that conclusively. Therefore, this variant has been classified as Likely Pathogenic.